The following is an entry in ClinVar:

ClinVar aggregate classification (germline): Benign/Likely benign. Review status: criteria provided, multiple submitters, no conflicts (2 of 4 stars). 5 submissions from 5 submitters: Benign (3); Likely benign (1). 1 of the submissions does not count toward it. Last evaluated 2026-02-01.

Conditions:
MTOR-related disorder. Also called: MTOR-related condition.

Allele frequency attached by ClinVar (database versions not stated): gnomAD 0.00001 and 0.00009; TOPMed 0.00001; 1000 Genomes Project 30x 0.00016; 1000 Genomes Project 0.00020; gnomAD exomes 0.00024 and 0.00042; ExAC 0.00046.
gnomAD v4.1: 367 of 1,614,108 alleles (0.023%); highest among the groups gnomAD compares: South Asian, 0.38%; 4 homozygotes.

Submissions (5):

CeGaT Center for Human Genetics Tuebingen
Classification: Benign. Last evaluated: 2026-02-01. Review status: criteria provided, single submitter. Criteria: CeGaT Center For Human Genetics Tuebingen Variant Classification Criteria Version 2. Collection method: clinical testing. Allele origin: germline. Affected: yes. Observed: 2 variant alleles.
Comment: MTOR: BS1, BS2

Labcorp Genetics (formerly Invitae), Labcorp
Classification: Benign. Last evaluated: 2026-01-24. Review status: criteria provided, single submitter. Criteria: Invitae Variant Classification Sherloc (09022015). Collection method: clinical testing. Allele origin: germline.

Blueprint Genetics
Classification: Likely benign. Last evaluated: 2024-09-24. Review status: criteria provided, single submitter. Criteria: ACMG Guidelines, 2015. Collection method: clinical testing. Allele origin: germline.

GeneDx
Classification: Benign. Last evaluated: 2021-05-11. Review status: criteria provided, single submitter. Criteria: GeneDx Variant Classification Process June 2021. Collection method: clinical testing. Allele origin: germline. Affected: yes.

PreventionGenetics, part of Exact Sciences
Classification: Likely benign for MTOR-related condition. Last evaluated: 2023-05-30. Review status: no assertion criteria provided. Collection method: clinical testing. Allele origin: germline. Not counted in ClinVar's aggregate classification.
Comment: This variant is classified as likely benign based on ACMG/AMP sequence variant interpretation guidelines (Richards et al. 2015 PMID: 25741868, with internal and published modifications).

NM_004958.4(MTOR):c.7272C>T (p.Asp2424=)

Gene: MTOR (mechanistic target of rapamycin kinase; minus strand). Cytogenetic location: 1p36.22.
Variant type: single nucleotide variant.
Coding change: c.7272C>T on transcript NM_004958.4 (MANE Select); coding-DNA position 7272, C replaced by T.
Protein change: p.Asp2424=; no amino-acid change (aspartic acid 2424 retained).
Molecular consequence: synonymous variant.
Genome position (GRCh38, 1-based): chr1:11,114,346, G>A on the plus strand (C>T on the coding strand, the complement: MTOR is on the minus strand). VCF-style: chr1-11114346-G-A. GRCh37 (hg19) VCF-style: chr1-11174403-G-A.
Identifiers: ClinVar variation 698256 (VCV000698256.22), dbSNP rs549287479, ClinGen allele CA588896.